The following is an entry in ClinVar:

ClinVar aggregate classification (germline): Uncertain significance (1 of 4 stars; one submission).

Conditions:
Combined immunodeficiency due to STIM1 deficiency. Also called: IMMUNODEFICIENCY 10; STIM1 DEFICIENCY. Identifiers: Orphanet 169090, Orphanet 317430, MedGen C2748557, MONDO:0013008, OMIM 612783.
Myopathy with tubular aggregates (TAM). Also called: Tubular Aggregate Myopathy. Identifiers: Orphanet 2593, MedGen C0410207, MONDO:0008051.
Stormorken syndrome (STRMK). Also called: THROMBOCYTOPATHY, ASPLENIA, AND MIOSIS. Identifiers: Orphanet 3204, MedGen C1861451, MONDO:0008497, OMIM 185070.

Submission:

Labcorp Genetics (formerly Invitae), Labcorp
Classification: Uncertain significance for Myopathy with tubular aggregates; Combined immunodeficiency due to STIM1 deficiency; Stormorken syndrome. Last evaluated: 2022-11-07. Review status: criteria provided, single submitter. Criteria: Invitae Variant Classification Sherloc (09022015). Collection method: clinical testing. Allele origin: germline.
Comment: This sequence change replaces alanine, which is neutral and non-polar, with threonine, which is neutral and polar, at codon 585 of the STIM1 protein (p.Ala585Thr). In summary, the available evidence is currently insufficient to determine the role of this variant in disease. Therefore, it has been classified as a Variant of Uncertain Significance. Advanced modeling of protein sequence and biophysical properties (such as structural, functional, and spatial information, amino acid conservation, physicochemical variation, residue mobility, and thermodynamic stability) performed at Invitae indicates that this missense variant is not expected to disrupt STIM1 protein function. This variant has not been reported in the literature in individuals affected with STIM1-related conditions. This variant is not present in population databases (gnomAD no frequency).

NM_001382567.1(STIM1):c.1846G>A (p.Ala616Thr)

Genes: STIM1 (stromal interaction molecule 1; plus strand), LOC124418421 (Sharpr-MPRA regulatory region 9588; plus strand). Cytogenetic location: 11p15.4.
Variant type: single nucleotide variant.
Coding change: c.1846G>A on transcript NM_001382567.1 (MANE Select); coding-DNA position 1846, G replaced by A.
Protein change: p.Ala616Thr; replaces alanine 616 with threonine.
Molecular consequence: missense variant. On other transcripts: 3 prime UTR variant (4), non-coding transcript variant (3).
Genome position (GRCh38, 1-based): chr11:4,091,493, G>A. VCF-style: chr11-4091493-G-A. GRCh37 (hg19) VCF-style: chr11-4112723-G-A.
Other names: c.*167G>A (NM_001382578.1, NM_001382579.1, NM_001382580.1 and 1 more transcripts); c.1264G>A, p.Ala422Thr (NM_001382581.1); c.1753G>A, p.Ala585Thr (NM_003156.4); c.2071G>A, p.Ala691Thr (NM_001277961.3); c.1849G>A, p.Ala617Thr (NM_001382566.1); c.1774G>A, p.Ala592Thr (NM_001382568.1); c.1618G>A, p.Ala540Thr (NM_001382569.1); c.1525G>A, p.Ala509Thr (NM_001382570.1); and 2 more; short protein forms A422T, A592T, A616T, A617T, A509T, A691T, A425T, A540T.
Identifiers: ClinVar variation 2941372 (VCV002941372.3), dbSNP rs2094524896, ClinGen allele CA379197237.